The following is an entry in ClinVar:

NM_001035.3(RYR2):c.14695G>C (p.Asp4899His)

Gene: RYR2 (ryanodine receptor 2; plus strand). Cytogenetic location: 1q43.
Variant type: single nucleotide variant.
Coding change: c.14695G>C on transcript NM_001035.3 (MANE Select); coding-DNA position 14695, G replaced by C.
Protein change: p.Asp4899His; replaces aspartic acid 4899 with histidine.
Molecular consequence: missense variant.
Genome position (GRCh38, 1-based): chr1:237,830,569, G>C. VCF-style: chr1-237830569-G-C. GRCh37 (hg19) VCF-style: chr1-237993869-G-C.
Other names: c.14695G>C, p.Asp4899His (LRG_402t1); short protein forms D4899H.
Identifiers: ClinVar variation 392769 (VCV000392769.3), dbSNP rs794728807, ClinGen allele CA16603659.
Genomic context (GRCh38, chr1:237,830,569, plus strand): 5'-ATATTTCCCTTTGTTTTCTAGACCAAATGCTTCATCTGTGGGATAGGCAATGATTACTTC[G>C]ACACAGTGCCACATGGCTTTGAAACCCACACTTTACAGGAGCACAACTTGGCTAATTACT-3'
Protein context (NP_001026.2, residues 4889-4909): FICGIGNDYF[Asp4899His]TVPHGFETHT

ClinVar aggregate classification (germline): Uncertain significance. Review status: criteria provided, multiple submitters, no conflicts (2 of 4 stars). 2 submissions from 2 submitters: Uncertain significance (2). Last evaluated 2025-03-27.

Conditions:
Cardiovascular phenotype. Identifiers: MedGen CN230736.

Submissions (2):

Ambry Genetics
Classification: Uncertain significance for Cardiovascular phenotype. Last evaluated: 2025-03-27. Review status: criteria provided, single submitter. Criteria: Ambry Variant Classification Scheme 2023. Collection method: clinical testing. Allele origin: germline.
Comment: The p.D4899H variant (also known as c.14695G>C), located in coding exon 103 of the RYR2 gene, results from a G to C substitution at nucleotide position 14695. The aspartic acid at codon 4899 is replaced by histidine, an amino acid with similar properties. This amino acid position is highly conserved in available vertebrate species. In addition, this alteration is predicted to be deleterious by in silico analysis. Based on the available evidence, the clinical significance of this variant remains unclear.

GeneDx
Classification: Uncertain significance. Last evaluated: 2017-01-17. Review status: criteria provided, single submitter. Criteria: GeneDx Variant Classification (06012015). Collection method: clinical testing. Allele origin: germline. Affected: yes.
Comment: The D4899H variant of uncertain significance in the RYR2 gene has not been published as a pathogenic variant, nor has it been reported as a benign variant to our knowledge. D4899H was not observed in approximately 6,100 individuals of European and African American ancestry in the NHLBI Exome Sequencing Project, nor was it observed in the Exome Aggregation Consortium, indicating it is not a common benign variant in these populations. The D4899H variant is a non-conservative amino acid substitution, which is likely to impact secondary protein structure as these residues differ in polarity, charge, size and/or other properties. In addition, this substitution occurs at a position that is conserved across species, and in silico analysis predicts this variant is probably damaging to the protein structure/function. Finally, the D4899H variant is located in one of the three hot-spot regions of the RYR2 gene, where the majority of pathogenic missense variants occur (Medeiros-Domingo et al., 2009).